The following is an entry in ClinVar:

ClinVar aggregate classification (germline): Uncertain significance (1 of 4 stars; one submission).

gnomAD v4.1: 92 of 1,613,992 alleles (0.0057%); highest among the groups gnomAD compares: Non-Finnish European, 0.0075%; no homozygotes.

Submission:

Labcorp Genetics (formerly Invitae), Labcorp
Classification: Uncertain significance. Last evaluated: 2025-05-27. Review status: criteria provided, single submitter. Criteria: Invitae Variant Classification Sherloc (09022015). Collection method: clinical testing. Allele origin: germline.
Comment: This sequence change replaces asparagine, which is neutral and polar, with serine, which is neutral and polar, at codon 61 of the APCDD1 protein (p.Asn61Ser). This variant is present in population databases (rs755673638, gnomAD 0.006%). This variant has not been reported in the literature in individuals affected with APCDD1-related conditions. Invitae Evidence Modeling of protein sequence and biophysical properties (such as structural, functional, and spatial information, amino acid conservation, physicochemical variation, residue mobility, and thermodynamic stability) indicates that this missense variant is not expected to disrupt APCDD1 protein function with a negative predictive value of 80%. In summary, the available evidence is currently insufficient to determine the role of this variant in disease. Therefore, it has been classified as a Variant of Uncertain Significance.

NM_153000.5(APCDD1):c.182A>G (p.Asn61Ser)

Gene: APCDD1 (APC down-regulated 1; plus strand). Cytogenetic location: 18p11.22.
Variant type: single nucleotide variant.
Coding change: c.182A>G on transcript NM_153000.5 (MANE Select); coding-DNA position 182, A replaced by G.
Protein change: p.Asn61Ser; replaces asparagine 61 with serine.
Molecular consequence: missense variant.
Genome position (GRCh38, 1-based): chr18:10,468,592, A>G. VCF-style: chr18-10468592-A-G. GRCh37 (hg19) VCF-style: chr18-10468589-A-G.
Other names: short protein forms N61S.
Identifiers: ClinVar variation 4709291 (VCV004709291.1).